The following is an entry in ClinVar:

NM_005902.4(SMAD3):c.270_271delinsAA (p.Leu91Met)

Gene: SMAD3 (SMAD family member 3; plus strand). Cytogenetic location: 15q22.33.
Variant type: Indel.
Coding change: c.270_271delinsAA on transcript NM_005902.4 (MANE Select); coding-DNA positions 270 to 271, CC replaced by AA.
Protein change: p.Leu91Met; replaces leucine 91 with methionine.
Molecular consequence: missense variant. On other transcripts: 5 prime UTR variant (1).
Genome position (GRCh38, 1-based): chr15:67,164,958-67,164,959, CC replaced by AA. VCF-style: chr15-67164958-CC-AA. GRCh37 (hg19) VCF-style: chr15-67457296-CC-AA.
Other names: c.-46_-45delinsAA (NM_001145102.2); c.138_139delinsAA, p.Leu47Met (NM_001145103.2); short protein forms L47M, L91M.
Identifiers: ClinVar variation 934325 (VCV000934325.9), dbSNP rs1962535802, ClinGen allele CA1139664042.

ClinVar aggregate classification (germline): Uncertain significance (1 of 4 stars; one submission).

Conditions:
Familial thoracic aortic aneurysm and aortic dissection (TAAD). Also called: Thoracic aortic aneurysms and dissections. Identifiers: Orphanet 91387, MedGen C4707243, MONDO:0019625.

Submission:

Labcorp Genetics (formerly Invitae), Labcorp
Classification: Uncertain significance for Familial thoracic aortic aneurysm and aortic dissection. Last evaluated: 2022-07-19. Review status: criteria provided, single submitter. Criteria: Invitae Variant Classification Sherloc (09022015). Collection method: clinical testing. Allele origin: germline.
Comment: In summary, the available evidence is currently insufficient to determine the role of this variant in disease. Therefore, it has been classified as a Variant of Uncertain Significance. Experimental studies and prediction algorithms are not available or were not evaluated, and the functional significance of this variant is currently unknown. ClinVar contains an entry for this variant (Variation ID: 934325). This variant has not been reported in the literature in individuals affected with SMAD3-related conditions. Information on the frequency of this variant in the gnomAD database is not available, as this variant may be reported differently in the database. This sequence change replaces leucine, which is neutral and non-polar, with methionine, which is neutral and non-polar, at codon 91 of the SMAD3 protein (p.Leu91Met).